The following is an entry in ClinVar:

NM_170606.3(KMT2C):c.5921T>C (p.Met1974Thr)

Gene: KMT2C (lysine methyltransferase 2C; minus strand). Cytogenetic location: 7q36.1.
Variant type: single nucleotide variant.
Coding change: c.5921T>C on transcript NM_170606.3 (MANE Select); coding-DNA position 5921, T replaced by C.
Protein change: p.Met1974Thr; replaces methionine 1974 with threonine.
Molecular consequence: missense variant.
Genome position (GRCh38, 1-based): chr7:152,181,939, A>G on the plus strand (T>C on the coding strand, the complement: KMT2C is on the minus strand). VCF-style: chr7-152181939-A-G. GRCh37 (hg19) VCF-style: chr7-151879024-A-G.
Other names: short protein forms M1974T.
Identifiers: ClinVar variation 1355760 (VCV001355760.6), dbSNP rs2129120541, ClinGen allele CA370097239.

ClinVar aggregate classification (germline): Uncertain significance (1 of 4 stars; one submission).

Submission:

Labcorp Genetics (formerly Invitae), Labcorp
Classification: Uncertain significance. Last evaluated: 2021-09-26. Review status: criteria provided, single submitter. Criteria: Invitae Variant Classification Sherloc (09022015). Collection method: clinical testing. Allele origin: germline.
Comment: This sequence change replaces methionine with threonine at codon 1974 of the KMT2C protein (p.Met1974Thr). The methionine residue is moderately conserved and there is a moderate physicochemical difference between methionine and threonine. This variant is not present in population databases (ExAC no frequency). In summary, the available evidence is currently insufficient to determine the role of this variant in disease. Therefore, it has been classified as a Variant of Uncertain Significance. Algorithms developed to predict the effect of missense changes on protein structure and function output the following: SIFT: "Deleterious"; PolyPhen-2: "Benign"; Align-GVGD: "Class C0". The threonine amino acid residue is found in multiple mammalian species, which suggests that this missense change does not adversely affect protein function. This variant has not been reported in the literature in individuals affected with KMT2C-related conditions.